The following is an entry in ClinVar:

ClinVar aggregate classification (germline): Pathogenic (1 of 4 stars; one submission).

Conditions:
Cobalamin C disease. Also called: Cobalamin-C methylmalonic acidemia and homocystinuria; Methylmalonic aciduria with homocystinuria cblC type; Methylmalonic aciduria and homocystinuria, Vitamin B12-responsive; Vitamin B12 metabolic defect with combined deficiency of methylmalonyl-CoA mutase and homocysteine:methyltetrahydrofolate methyltransferase; Methylmalonic acidemia and homocystinuria cblC type; methylmalonic aciduria and homocystinuria type cblC. Identifiers: Orphanet 26, Orphanet 79282, MedGen C1848561, MONDO:0010184, OMIM 277400.

Allele frequency attached by ClinVar (database versions not stated): gnomAD exomes below 0.00001.
gnomAD v4.1: 1 of 1,614,146 alleles (0.000062%); highest among the groups gnomAD compares: Non-Finnish European, 0.000085%; no homozygotes.

Submission:

Labcorp Genetics (formerly Invitae), Labcorp
Classification: Pathogenic for Cobalamin C disease. Last evaluated: 2019-11-20. Review status: criteria provided, single submitter. Criteria: Invitae Variant Classification Sherloc (09022015). Collection method: clinical testing. Allele origin: germline.
Comment: For these reasons, this variant has been classified as Pathogenic. This variant disrupts the C-terminus of the MMACHC protein. Other variant(s) that disrupt this region (p.Val183Thrfs*5) have been determined to be pathogenic (PMID: 16311595, 19370762, 23954310). This suggests that variants that disrupt this region of the protein are likely to be causative of disease. Nucleotide substitutions within the consensus splice site are a relatively common cause of aberrant splicing (PMID: 17576681, 9536098). Algorithms developed to predict the effect of sequence changes on RNA splicing suggest that this variant may disrupt the consensus splice site, but this prediction has not been confirmed by published transcriptional studies. This variant has not been reported in the literature in individuals with MMACHC-related conditions. This variant is not present in population databases (ExAC no frequency). This sequence change affects a donor splice site in the last intron (intron 3) of the MMACHC gene. While this is not anticipated to result in nonsense mediated decay, it likely alters RNA splicing and results in a disrupted protein product.

Literature cited by the submitters: PubMed 16311595; PubMed 19370762; PubMed 23954310; PubMed 17576681; PubMed 9536098.

NM_015506.3(MMACHC):c.429+1G>C

Gene: MMACHC (metabolism of cobalamin associated C; plus strand). Cytogenetic location: 1p34.1.
Variant type: single nucleotide variant.
Coding change: c.429+1G>C on transcript NM_015506.3 (MANE Select); the canonical splice donor site of the intron after coding-DNA position 429, G replaced by C.
Molecular consequence: splice donor variant.
Genome position (GRCh38, 1-based): chr1:45,508,365, G>C. VCF-style: chr1-45508365-G-C. GRCh37 (hg19) VCF-style: chr1-45974037-G-C.
Other names: c.258+1G>C (NM_001330540.2).
Identifiers: ClinVar variation 858710 (VCV000858710.10), dbSNP rs1643668441, ClinGen allele CA340132569.
Genomic context (GRCh38, chr1:45,508,365, plus strand): 5'-GCTGGGGCTGCTTACTACTACCAACGACAAGATGTGGAGGCTGACCCATGGGGGAACCAG[G>C]TGAGAGGGAAAATGTAAATAGAGGCTGAGATAGACTGGTAAAGGCCTCTCCCTACCAGGT-3'